The following is an entry in ClinVar:

NM_015450.3(POT1):c.1672dup (p.Tyr558fs)

Gene: POT1 (protection of telomeres 1; minus strand). Cytogenetic location: 7q31.33.
Variant type: Duplication.
Coding change: c.1672dup on transcript NM_015450.3 (MANE Select); coding-DNA position 1672, one base duplicated (T; older notation c.1672dupT).
Protein change: p.Tyr558fs; shifts the reading frame from tyrosine 558.
Molecular consequence: frameshift variant. On other transcripts: non-coding transcript variant (3).
Genome position (GRCh38, 1-based): chr7:124,827,228, A duplicated on the plus strand (T on the coding strand, the reverse complement: POT1 is on the minus strand). VCF-style (leftmost placement, unchanged base first): chr7-124827227-T-TA. GRCh37 (hg19) VCF-style: chr7-124467281-T-TA.
Other names: c.1279dup, p.Tyr427fs (NM_001042594.2); short protein forms Y427fs, Y558fs.
Identifiers: ClinVar variation 1055178 (VCV001055178.14), dbSNP rs2116414744, ClinGen allele CA2499218703.

ClinVar aggregate classification (germline): Pathogenic/Likely pathogenic. Review status: criteria provided, multiple submitters, no conflicts (2 of 4 stars). 3 submissions from 3 submitters: Pathogenic (2); Likely pathogenic (1). Last evaluated 2025-04-24.

Conditions:
Hereditary cancer-predisposing syndrome. Also called: Hereditary Cancer Syndrome; Tumor predisposition; Hereditary neoplastic syndrome; Neoplastic Syndromes, Hereditary. Identifiers: Orphanet 140162, MedGen C0027672, MeSH D009386, MONDO:0015356.
POT1-related disorder. Also called: POT1-related condition.
Tumor predisposition syndrome 3 (TPDS3). Also called: Glioma susceptibility 9; LONG TELOMERE SYNDROME, POT1-RELATED; POT1 Tumor Predisposition; Melanoma, cutaneous malignant, susceptibility to, 10. Identifiers: Orphanet 618, MedGen C4014476, MONDO:0014368, OMIM 615848.

Submissions (3):

Labcorp Genetics (formerly Invitae), Labcorp
Classification: Pathogenic for Tumor predisposition syndrome 3. Last evaluated: 2025-04-24. Review status: criteria provided, single submitter. Criteria: Invitae Variant Classification Sherloc (09022015). Collection method: clinical testing. Allele origin: germline.
Comment: This sequence change creates a premature translational stop signal (p.Tyr558Leufs*6) in the POT1 gene. It is expected to result in an absent or disrupted protein product. Loss-of-function variants in POT1 are known to be pathogenic (PMID: 32155570). This variant is not present in population databases (gnomAD no frequency). This variant has not been reported in the literature in individuals affected with POT1-related conditions. ClinVar contains an entry for this variant (Variation ID: 1055178). For these reasons, this variant has been classified as Pathogenic.

Blueprint Genetics
Classification: Likely pathogenic for POT1-related disorders. Last evaluated: 2024-09-27. Review status: criteria provided, single submitter. Criteria: ACMG Guidelines, 2015. Collection method: clinical testing. Allele origin: germline. Affected: yes. Observed: 2 variant alleles.

Ambry Genetics
Classification: Pathogenic for Hereditary cancer-predisposing syndrome. Last evaluated: 2023-03-16. Review status: criteria provided, single submitter. Criteria: Ambry Variant Classification Scheme 2023. Collection method: clinical testing. Allele origin: germline.
Comment: The c.1672dupT pathogenic mutation, located in coding exon 13 of the POT1 gene, results from a duplication of T at nucleotide position 1672, causing a translational frameshift with a predicted alternate stop codon (p.Y558Lfs*6). This alteration is expected to result in loss of function by premature protein truncation or nonsense-mediated mRNA decay. As such, this alteration is interpreted as a disease-causing mutation.

Literature cited by the submitters: PubMed 32155570 (cited by Labcorp Genetics (formerly Invitae), Labcorp).